The following is an entry in ClinVar:

ClinVar aggregate classification (germline): Uncertain significance (1 of 4 stars; one submission).

Conditions:
Inborn genetic diseases. Identifiers: MedGen C0950123, MeSH D030342.

Submission:

Ambry Genetics
Classification: Uncertain significance for Inborn genetic diseases. Last evaluated: 2025-08-01. Review status: criteria provided, single submitter. Criteria: Ambry Variant Classification Scheme 2023. Collection method: clinical testing. Allele origin: germline.
Comment: The p.F259V variant (also known as c.775T>G), located in coding exon 7 of the USB1 gene, results from a T to G substitution at nucleotide position 775. The phenylalanine at codon 259 is replaced by valine, an amino acid with highly similar properties. This amino acid position is conserved. In addition, the in silico prediction for this alteration is inconclusive. Based on the available evidence, the clinical significance of this variant remains unclear.

NM_024598.4(USB1):c.775T>G (p.Phe259Val)

Gene: USB1 (U6 snRNA biogenesis phosphodiesterase 1; plus strand). Cytogenetic location: 16q21.
Variant type: single nucleotide variant.
Coding change: c.775T>G on transcript NM_024598.4 (MANE Select); coding-DNA position 775, T replaced by G.
Protein change: p.Phe259Val; replaces phenylalanine 259 with valine.
Molecular consequence: missense variant.
Genome position (GRCh38, 1-based): chr16:58,020,222, T>G. VCF-style: chr16-58020222-T-G. GRCh37 (hg19) VCF-style: chr16-58054126-T-G.
Other names: c.721T>G, p.Phe241Val (NM_001195302.2); c.622T>G, p.Phe208Val (NM_001330568.2); short protein forms F259V, F208V, F241V.
Identifiers: ClinVar variation 4196807 (VCV004196807.1).